The following is an entry in ClinVar:

ClinVar aggregate classification (germline): Uncertain significance (1 of 4 stars; one submission).

Conditions:
Inborn genetic diseases. Identifiers: MedGen C0950123, MeSH D030342.

gnomAD v4.1: 1 of 1,614,114 alleles (0.000062%); highest among the groups gnomAD compares: Non-Finnish European, 0.000085%; no homozygotes.

Submission:

Ambry Genetics
Classification: Uncertain significance for Inborn genetic diseases. Last evaluated: 2024-12-29. Review status: criteria provided, single submitter. Criteria: Ambry Variant Classification Scheme 2023. Collection method: clinical testing. Allele origin: germline.
Comment: The p.T131A variant (also known as c.391A>G), located in coding exon 1 of the SAMD9 gene, results from an A to G substitution at nucleotide position 391. The threonine at codon 131 is replaced by alanine, an amino acid with similar properties. This amino acid position is conserved. In addition, this alteration is predicted to be tolerated by in silico analysis. Based on the available evidence, the clinical significance of this variant remains unclear.

NM_017654.4(SAMD9):c.391A>G (p.Thr131Ala)

Gene: SAMD9 (sterile alpha motif domain containing 9; minus strand). Cytogenetic location: 7q21.2.
Variant type: single nucleotide variant.
Coding change: c.391A>G on transcript NM_017654.4 (MANE Select); coding-DNA position 391, A replaced by G.
Protein change: p.Thr131Ala; replaces threonine 131 with alanine.
Molecular consequence: missense variant.
Genome position (GRCh38, 1-based): chr7:93,105,707, T>C on the plus strand (A>G on the coding strand, the complement: SAMD9 is on the minus strand). VCF-style: chr7-93105707-T-C. GRCh37 (hg19) VCF-style: chr7-92735020-T-C.
Other names: c.391A>G, p.Thr131Ala (NM_001193307.2); short protein forms T131A.
Identifiers: ClinVar variation 3791957 (VCV003791957.1).